The following is an entry in ClinVar:

NM_000478.6(ALPL):c.212G>C (p.Arg71Pro)

Gene: ALPL (alkaline phosphatase, biomineralization associated; plus strand). Cytogenetic location: 1p36.12.
Variant type: single nucleotide variant.
Coding change: c.212G>C on transcript NM_000478.6 (MANE Select); coding-DNA position 212, G replaced by C.
Protein change: p.Arg71Pro; replaces arginine 71 with proline.
Molecular consequence: missense variant. On other transcripts: intron variant (1).
Genome position (GRCh38, 1-based): chr1:21,561,127, G>C. VCF-style: chr1-21561127-G-C. GRCh37 (hg19) VCF-style: chr1-21887620-G-C.
Other names: R54P; c.212G>C (NM_000478.4); c.47G>C, p.Arg16Pro (NM_001127501.4); c.212G>C, p.Arg71Pro (NM_001369803.2, NM_001369804.2, NM_001369805.2); c.66+382G>C (NM_001177520.3); short protein forms R71P, R16P.
Identifiers: ClinVar variation 13665 (VCV000013665.15), dbSNP rs121918003, ClinGen allele CA256922.
Genomic context (GRCh38, chr1:21,561,127, plus strand): 5'-AGAGACTGAGGCCCCCACTCCCCACTGCAGGGATGGGTGTCTCCACAGTGACGGCTGCCC[G>C]CATCCTCAAGGGTCAGCTCCACCACAACCCTGGGGAGGAGACCAGGCTGGAGATGGACAA-3'
Protein context (NP_000469.3, residues 61-81): GMGVSTVTAA[Arg71Pro]ILKGQLHHNP

ClinVar aggregate classification (germline): Pathogenic/Likely pathogenic. Review status: criteria provided, multiple submitters, no conflicts (2 of 4 stars). 8 submissions from 8 submitters: Pathogenic (2); Likely pathogenic (5). 1 of the submissions does not count toward it. Last evaluated 2026-04-07.

Conditions:
Hypophosphatasia. Also called: Phosphoethanol-aminuria. Identifiers: Orphanet 436, MedGen C0020630, MeSH D007014, MONDO:0018570.
Infantile hypophosphatasia. Identifiers: Orphanet 247651, Orphanet 436, MedGen C0268412, MONDO:1010169, OMIM 241500, MONDO:0009427.
Adult hypophosphatasia. Identifiers: Orphanet 247676, Orphanet 436, MedGen C0268413, MONDO:1010154, OMIM 146300, MONDO:0007798.

Allele frequency attached by ClinVar (database versions not stated): ExAC 0.00002.
gnomAD v4.1: 31 of 1,612,770 alleles (0.0019%); highest among the groups gnomAD compares: Non-Finnish European, 0.0026%; no homozygotes.

Submissions (8):

GeneDx
Classification: Pathogenic. Last evaluated: 2026-04-07. Review status: criteria provided, single submitter. Criteria: GeneDx Variant Classification Process June 2021. Collection method: clinical testing. Allele origin: germline.
Comment: Published functional studies demonstrate a damaging effect on enzyme activity (PMID: 32160374); Not observed at significant frequency in large population cohorts (gnomAD); In silico analysis supports that this missense variant has a deleterious effect on protein structure/function; This variant is associated with the following publications: (PMID: 34662886, 31760938, 22397652, 11438998, 12162492, 8675582, 25731960, 30651579, 36361766, 37600704, 1409720, 32160374)

Myriad Genetics, Inc.
Classification: Likely pathogenic for Hypophosphatasia. Last evaluated: 2025-11-13. Review status: criteria provided, single submitter. Criteria: Myriad Autosomal Dominant, Autosomal Recessive and X-Linked Classification Criteria (2023). Collection method: clinical testing. Allele origin: unknown.
Comment: NM_000478.4(ALPL):c.212G>C(R71P) is a missense variant classified as likely pathogenic in the context of hypophosphatasia. R71P has been observed in cases with relevant disease (PMID: 1409720, 25731960, 33301960). Relevant functional assessments of this variant are available in the literature (PMID: 32160374, 12162492). Internal structural analysis of the variant is supportive of pathogenicity. R71P has been observed in referenced population frequency databases. In summary, NM_000478.4(ALPL):c.212G>C(R71P) is a missense variant that has both functional and internal structural support for pathogenicity and has been observed more frequently in cases with the relevant disease than in healthy populations. Please note: this variant was assessed in the context of healthy population screening.

Labcorp Genetics (formerly Invitae), Labcorp
Classification: Likely pathogenic. Last evaluated: 2025-09-02. Review status: criteria provided, single submitter. Criteria: Invitae Variant Classification Sherloc (09022015). Collection method: clinical testing. Allele origin: germline.
Comment: This sequence change replaces arginine, which is basic and polar, with proline, which is neutral and non-polar, at codon 71 of the ALPL protein (p.Arg71Pro). This variant is present in population databases (rs121918003, gnomAD 0.003%). This missense change has been observed in individual(s) with hypophosphatasia (PMID: 1409720). This variant is also known as p.Arg54Pro. ClinVar contains an entry for this variant (Variation ID: 13665). Invitae Evidence Modeling of protein sequence and biophysical properties (such as structural, functional, and spatial information, amino acid conservation, physicochemical variation, residue mobility, and thermodynamic stability) indicates that this missense variant is expected to disrupt ALPL protein function with a positive predictive value of 95%. Experimental studies have shown that this missense change affects ALPL function (PMID: 32160374). This variant disrupts the p.Arg71 amino acid residue in ALPL. Other variant(s) that disrupt this residue have been determined to be pathogenic (PMID: 11438998, 22397652, 25731960, 31760938). This suggests that this residue is clinically significant, and that variants that disrupt this residue are likely to be disease-causing. In summary, the currently available evidence indicates that the variant is pathogenic, but additional data are needed to prove that conclusively. Therefore, this variant has been classified as Likely Pathogenic.

Genomenon, Inc
Classification: Pathogenic for Hypophosphatasia. Last evaluated: 2025-08-29. Review status: criteria provided, single submitter. Criteria: Genomenon Sequence Variant Interpretation Standards. Collection method: curation. Allele origin: germline. Affected: yes.
Comment: ALPL c.212G>C is a missense variant that changes the amino acid at residue 71 from Arginine to Proline. This variant has been observed in at least one proband affected with hypophosphatasia (PMID:25731960;1409720). At least one functional study has demonstrated a substantial alteration in protein function relative to the wild-type (PMID:32160374;12499779;12162492). This variant is also reported as Arg54Pro in the literature. It is absent or not present at a significant frequency in gnomAD. In silico models agree that this variant is possibly or probably damaging. In conclusion, we classify ALPL p.Arg71Pro (c.212G>C) as a pathogenic variant.

Laboratory of Genetics, Children's Clinical University Hospital Latvia
Classification: Likely pathogenic. Last evaluated: 2025-02-16. Review status: criteria provided, single submitter. Criteria: ACMG Guidelines, 2015. Collection method: clinical testing. Allele origin: germline. Affected: yes.

Women's Health and Genetics/Laboratory Corporation of America, LabCorp
Classification: Likely pathogenic for Hypophosphatasia. Last evaluated: 2023-12-12. Review status: criteria provided, single submitter. Criteria: LabCorp Variant Classification Summary - May 2015. Collection method: clinical testing. Allele origin: germline.
Comment: Variant summary: ALPL c.212G>C (p.Arg71Pro) results in a non-conservative amino acid change located in the homodimer interface domain (Del Angel_2020) of the encoded protein sequence. Other pathogenic alterations at this codon have been reported in individuals with Hypophosphatasia supporting a critical relevance of this Arginine residue to ALPL protein function. Five of five in-silico tools predict a damaging effect of the variant on protein function. The variant allele was found at a frequency of 1.2e-05 in 247944 control chromosomes. In our ascertainment, c.212G>C has been reported in the literature as a presumed compound heterozygous genotype in an individual with severe hypophosphatasia (example, Henthorn_1992) and as a non-informative genotype (second allele and/or zygosity not specified) in an individual with mild childhood hypophosphatasia (example, Whyte_2015). These data do not allow any conclusion about variant significance. At least two publications report experimental evidence evaluating an impact on protein function (example, DiMauro_2002, Del Angel_2020). The most pronounced variant effect results in complete loss of tissue-nonspecific AP (TNAP) catalytic activity in vitro (DiMauro_2002) while another study reports this allele as having a dominant negative effect (DNE) defined as a measured in vitro low tissue nonspecific alkaline phosphatase (TNSALP) activity from the mutant/WT mixture of <0.4 relative to WT (Del Angel_2020). The following publications have been ascertained in the context of this evaluation (PMID: 32160374, 12162492, 8675582, 1409720, 25731960). One submitter has cited clinical-significance assessments for this variant to ClinVar after 2014 and has classified the variant as likely pathogenic. Based on the evidence outlined above, the variant was classified as likely pathogenic.

Baylor Genetics
Classification: Likely pathogenic for Adult hypophosphatasia. Last evaluated: 2023-10-10. Review status: criteria provided, single submitter. Criteria: ACMG Guidelines, 2015. Collection method: clinical testing. Allele origin: unknown.

OMIM
Classification: Pathogenic for HYPOPHOSPHATASIA, INFANTILE. Last evaluated: 1992-10-15. Review status: no assertion criteria provided. Collection method: literature only. Allele origin: germline. Not counted in ClinVar's aggregate classification.

Literature cited by the submitters: PubMed 12162492 (cited by 3 submitters); PubMed 1409720 (cited by 5 submitters); PubMed 25731960 (cited by 4 submitters); PubMed 32160374 (cited by 4 submitters); PubMed 33301960 (cited by Myriad Genetics, Inc.); PubMed 11438998 (cited by Labcorp Genetics (formerly Invitae), Labcorp); PubMed 22397652 (cited by Labcorp Genetics (formerly Invitae), Labcorp); PubMed 31760938 (cited by Labcorp Genetics (formerly Invitae), Labcorp); PubMed 12499779 (cited by Genomenon, Inc); PubMed 8675582 (cited by Women's Health and Genetics/Laboratory Corporation of America, LabCorp).